The following is an entry in ClinVar:

ClinVar aggregate classification (germline): Benign/Likely benign. Review status: criteria provided, multiple submitters, no conflicts (2 of 4 stars). 7 submissions from 7 submitters: Benign (1); Likely benign (6). Last evaluated 2026-01-13.

Conditions:
TRPV4-related disorder. Also called: TRPV4-related disorders; TRPV4-related condition.
Inborn genetic diseases. Identifiers: MedGen C0950123, MeSH D030342.
Charcot-Marie-Tooth disease. Also called: Charcot-Marie-Tooth Neuropathy; Charcot-Marie-Tooth Hereditary Neuropathy. Identifiers: Orphanet 166, MedGen C0007959, MONDO:0015626.
Charcot-Marie-Tooth disease axonal type 2C (HMSN2C). Also called: CHARCOT-MARIE-TOOTH DISEASE, AXONAL, AUTOSOMAL DOMINANT, TYPE 2C; Charcot-Marie-Tooth Neuropathy Type 2C; Charcot-Marie-Tooth Disease Type 2, TRPV4-Related (CMT2C). Identifiers: Orphanet 99937, MedGen C1853710, MONDO:0011633, OMIM 606071.

Allele frequency attached by ClinVar (database versions not stated): ExAC 0.00025; ESP Exome Variant Server 0.00040; gnomAD 0.00141; TOPMed 0.00163; 1000 Genomes Project 30x 0.00187; 1000 Genomes Project 0.00200.
gnomAD v4.1: 426 of 1,553,938 alleles (0.027%); highest among the groups gnomAD compares: African/African-American, 0.5%; 1 homozygote.

Submissions (7):

Labcorp Genetics (formerly Invitae), Labcorp
Classification: Benign for Charcot-Marie-Tooth disease axonal type 2C. Last evaluated: 2026-01-13. Review status: criteria provided, single submitter. Criteria: Invitae Variant Classification Sherloc (09022015). Collection method: clinical testing. Allele origin: germline.

PreventionGenetics, part of Exact Sciences
Classification: Likely benign for TRPV4-related condition. Last evaluated: 2025-02-19. Review status: criteria provided, single submitter. Criteria: ACMG Guidelines, 2015. Collection method: clinical testing. Allele origin: germline.
Comment: This variant is classified as likely benign based on ACMG/AMP sequence variant interpretation guidelines (Richards et al. 2015 PMID: 25741868, with internal and published modifications).

Blueprint Genetics
Classification: Likely benign. Last evaluated: 2024-06-11. Review status: criteria provided, single submitter. Criteria: ACMG Guidelines, 2015. Collection method: clinical testing. Allele origin: germline.

GeneDx
Classification: Likely benign. Last evaluated: 2020-12-07. Review status: criteria provided, single submitter. Criteria: GeneDx Variant Classification Process June 2021. Collection method: clinical testing. Allele origin: germline. Affected: yes.

Ambry Genetics
Classification: Likely benign for Inborn genetic diseases. Last evaluated: 2019-11-11. Review status: criteria provided, single submitter. Criteria: Ambry Variant Classification Scheme 2023. Collection method: clinical testing. Allele origin: germline.

ARUP Laboratories, Molecular Genetics and Genomics, ARUP Laboratories
Classification: Likely benign. Last evaluated: 2017-12-12. Review status: criteria provided, single submitter. Criteria: ARUP Molecular Germline Variant Investigation Process. Collection method: clinical testing. Allele origin: germline.
Comment: The p.Ala10Pro variant (rs1376436045) has not been reported in the medical literature nor listed in gene-specific variant databases. This variant is listed in the Genome Aggregation Database (gnomAD) with a frequency of 0.5 percent in the African population (identified on 83 out of 15978 chromosomes) and has been reported to the ClinVar database (Variation ID: 440359). The alanine at codon 10 is weakly conserved considering 14 species (Alamut v2.10) and Wallaby has proline at this position. Computational analyses of the p.Ala10Pro variant on protein structure and function indicate a neutral effect (SIFT: tolerated, MutationTaster: polymorphism, PolyPhen-2: benign). Given the current evidence, this variant is considered to be likely benign.

Molecular Genetics Laboratory, London Health Sciences Centre
Classification: Likely benign for Charcot-Marie-Tooth disease. Review status: criteria provided, single submitter. Criteria: ACMG Guidelines, 2015. Collection method: clinical testing. Allele origin: germline. Affected: yes.

NM_021625.5(TRPV4):c.28G>C (p.Ala10Pro)

Gene: TRPV4 (transient receptor potential cation channel subfamily V member 4; minus strand). Cytogenetic location: 12q24.11.
Variant type: single nucleotide variant.
Coding change: c.28G>C on transcript NM_021625.5 (MANE Select); coding-DNA position 28, G replaced by C.
Protein change: p.Ala10Pro; replaces alanine 10 with proline.
Molecular consequence: missense variant.
Genome position (GRCh38, 1-based): chr12:109,814,769, C>G on the plus strand (G>C on the coding strand, the complement: TRPV4 is on the minus strand). VCF-style: chr12-109814769-C-G. GRCh37 (hg19) VCF-style: chr12-110252574-C-G.
Other names: c.28G>C, p.Ala10Pro (NM_001177428.2, NM_001177431.2, NM_001177433.2 and 1 more transcripts); short protein forms A10P.
Identifiers: ClinVar variation 440359 (VCV000440359.24), dbSNP rs376436045, ClinGen allele CA6780636.
Genomic context (GRCh38, chr12:109,814,769, plus strand): 5'-CCTCCCCACCTGGGGTGCCACTCTCATCCCCGGGGAGCTCAGCCACCTCCCCGGGCCCCG[C>G]GCGGGGGCCTTCGCTGGAATCCGCCATGCCTGCCCCAGGCCCGTCTGCACTGCTCAGCCT-3'
Protein context (NP_067638.3, residues 1-20): MADSSEGPR[Ala10Pro]GPGEVAELPG